The following is an entry in ClinVar:

NM_032444.4(SLX4):c.2328-203G>A

Gene: SLX4 (SLX4 structure-specific endonuclease subunit; minus strand). Cytogenetic location: 16p13.3.
Variant type: single nucleotide variant.
Coding change: c.2328-203G>A on transcript NM_032444.4 (MANE Select); 203 bases into the intron before coding-DNA position 2328, G replaced by A.
Molecular consequence: intron variant.
Genome position (GRCh38, 1-based): chr16:3,591,513, C>T on the plus strand (G>A on the coding strand, the complement: SLX4 is on the minus strand). VCF-style: chr16-3591513-C-T. GRCh37 (hg19) VCF-style: chr16-3641514-C-T.
Identifiers: ClinVar variation 1706697 (VCV001706697.2), dbSNP rs116380026, ClinGen allele CA276959558.

ClinVar aggregate classification (germline): Likely benign (1 of 4 stars; one submission).

Allele frequency attached by ClinVar (database versions not stated): gnomAD 0.00342; TOPMed 0.00375; 1000 Genomes Project 0.00399; 1000 Genomes Project 30x 0.00422.
gnomAD v4.1: 512 of 152,304 alleles (0.34%); highest among the groups gnomAD compares: African/African-American, 1.2%; 4 homozygotes.

Submission:

GeneDx
Classification: Likely benign. Last evaluated: 2019-04-16. Review status: criteria provided, single submitter. Criteria: GeneDx Variant Classification Process June 2021. Collection method: clinical testing. Allele origin: germline. Affected: yes.
Comment: See Variant Classification Assertion Criteria.